The following is an entry in ClinVar:

ClinVar aggregate classification (germline): Uncertain significance (1 of 4 stars; one submission).

Conditions:
Dilated cardiomyopathy 1JJ (CMD1JJ). Identifiers: Orphanet 154, MedGen C3808935, MONDO:0014095, OMIM 615235.

Submission:

Labcorp Genetics (formerly Invitae), Labcorp
Classification: Uncertain significance for Dilated cardiomyopathy 1JJ. Last evaluated: 2022-08-21. Review status: criteria provided, single submitter. Criteria: Invitae Variant Classification Sherloc (09022015). Collection method: clinical testing. Allele origin: germline.
Comment: In summary, the available evidence is currently insufficient to determine the role of this variant in disease. Therefore, it has been classified as a Variant of Uncertain Significance. Algorithms developed to predict the effect of missense changes on protein structure and function are either unavailable or do not agree on the potential impact of this missense change (SIFT: "Deleterious"; PolyPhen-2: "Probably Damaging"; Align-GVGD: "Class C0"). This variant has not been reported in the literature in individuals affected with LAMA4-related conditions. This variant is not present in population databases (gnomAD no frequency). This sequence change replaces glutamine, which is neutral and polar, with histidine, which is basic and polar, at codon 1737 of the LAMA4 protein (p.Gln1737His).

NM_001105206.3(LAMA4):c.5232G>T (p.Gln1744His)

Gene: LAMA4 (laminin subunit alpha 4; minus strand). Cytogenetic location: 6q21.
Variant type: single nucleotide variant.
Coding change: c.5232G>T on transcript NM_001105206.3 (MANE Select); coding-DNA position 5232, G replaced by T.
Protein change: p.Gln1744His; replaces glutamine 1744 with histidine.
Molecular consequence: missense variant.
Genome position (GRCh38, 1-based): chr6:112,114,170, C>A on the plus strand (G>T on the coding strand, the complement: LAMA4 is on the minus strand). VCF-style: chr6-112114170-C-A. GRCh37 (hg19) VCF-style: chr6-112435373-C-A.
Other names: c.5211G>T, p.Gln1737His (NM_001105207.3, NM_002290.5); short protein forms Q1737H, Q1744H.
Identifiers: ClinVar variation 1717285 (VCV001717285.5), dbSNP rs1777871778, ClinGen allele CA365364399.